The following is an entry in ClinVar:

ClinVar aggregate classification (germline): Conflicting classifications of pathogenicity. Review status: criteria provided, conflicting classifications (1 of 4 stars). 2 submissions from 2 submitters: Uncertain significance (1); Likely benign (1). Last evaluated 2025-10-25.

Conditions:
Retinoblastoma (RB1). Also called: RETINOBLASTOMA, SOMATIC. Identifiers: Orphanet 790, MedGen C0035335, MeSH D012175, MONDO:0008380, OMIM 180200, HP:0009919. Disease mechanism: loss of function. Inheritance: Both sporadic and heritable forms are tested..
Hereditary cancer-predisposing syndrome. Also called: Hereditary Cancer Syndrome; Tumor predisposition; Hereditary neoplastic syndrome; Neoplastic Syndromes, Hereditary. Identifiers: Orphanet 140162, MedGen C0027672, MeSH D009386, MONDO:0015356.

Allele frequency attached by ClinVar (database versions not stated): gnomAD 0.00002; TOPMed 0.00002.
gnomAD v4.1: 3 of 1,593,084 alleles (0.00019%); highest among the groups gnomAD compares: African/African-American, 0.004%; no homozygotes.

Submissions (2):

Labcorp Genetics (formerly Invitae), Labcorp
Classification: Likely benign for Retinoblastoma. Last evaluated: 2025-10-25. Review status: criteria provided, single submitter. Criteria: Invitae Variant Classification Sherloc (09022015). Collection method: clinical testing. Allele origin: germline.

Ambry Genetics
Classification: Uncertain significance for Hereditary cancer-predisposing syndrome. Last evaluated: 2024-08-30. Review status: criteria provided, single submitter. Criteria: Ambry Variant Classification Scheme 2023. Collection method: clinical testing. Allele origin: germline.
Comment: The c.2489+3G>T intronic variant results from a G to T substitution 3 nucleotides after coding exon 23 in the RB1 gene. This nucleotide position is poorly conserved in available vertebrate species. In silico splice site analysis predicts that this alteration will not have any significant effect on splicing. Based on the available evidence, the clinical significance of this variant remains unclear.

NM_000321.3(RB1):c.2489+3G>T

Gene: RB1 (RB transcriptional corepressor 1; plus strand). Cytogenetic location: 13q14.2.
Variant type: single nucleotide variant.
Coding change: c.2489+3G>T on transcript NM_000321.3 (MANE Select); 3 bases into the intron after coding-DNA position 2489, G replaced by T.
Molecular consequence: intron variant.
Genome position (GRCh38, 1-based): chr13:48,465,371, G>T. VCF-style: chr13-48465371-G-T. GRCh37 (hg19) VCF-style: chr13-49039507-G-T.
Identifiers: ClinVar variation 1042734 (VCV001042734.10), dbSNP rs1057505320, ClinGen allele CA249310563.
Genomic context (GRCh38, chr13:48,465,371, plus strand): 5'-GTCCATATAAAATTTCAGAAGGTCTGCCAACACCAACAAAAATGACTCCAAGATCAAGGT[G>T]TGTGTTTTCTCTTTAGGGAAGTAGTAAAGAATGAGAGGGGGATTATTTTGATCCAAGAAT-3'